The following is an entry in ClinVar:

ClinVar aggregate classification (germline): Pathogenic/Likely pathogenic. Review status: criteria provided, multiple submitters, no conflicts (2 of 4 stars). 2 submissions from 2 submitters: Pathogenic (1); Likely pathogenic (1). Last evaluated 2025-02-03.

Conditions:
Isovaleryl-CoA dehydrogenase deficiency (IVA). Also called: ISOVALERIC ACID CoA DEHYDROGENASE DEFICIENCY; Isovaleric acidemia; IVD DEFICIENCY; Classic Isovaleric Acidemia. Identifiers: Orphanet 33, MedGen C0268575, MONDO:0009475, OMIM 243500.

Submissions (2):

Natera, Inc.
Classification: Likely pathogenic for Isovaleryl-coa dehydrogenase deficiency. Last evaluated: 2025-02-03. Review status: criteria provided, single submitter. Criteria: Natera Variant Classification Schema (03/2026). Collection method: clinical testing. Allele origin: germline.
Comment: The c.594G>A variant in IVD is a nonsense variant predicted to introduce a stop codon at amino acid 198. This variant is expected to result in nonsense mediated decay, truncation, or a dysfunctional protein product. This variant is rare in the general population with a frequency below the threshold expected for the associated phenotype(s). Given the available evidence, this variant is classified as Likely Pathogenic.

Labcorp Genetics (formerly Invitae), Labcorp
Classification: Pathogenic for Isovaleryl-CoA dehydrogenase deficiency. Last evaluated: 2023-12-25. Review status: criteria provided, single submitter. Criteria: Invitae Variant Classification Sherloc (09022015). Collection method: clinical testing. Allele origin: germline.
Comment: This sequence change creates a premature translational stop signal (p.Trp198*) in the IVD gene. It is expected to result in an absent or disrupted protein product. Loss-of-function variants in IVD are known to be pathogenic (PMID: 16602101). This variant is not present in population databases (gnomAD no frequency). This variant has not been reported in the literature in individuals affected with IVD-related conditions. Algorithms developed to predict the effect of sequence changes on RNA splicing suggest that this variant may disrupt the consensus splice site. For these reasons, this variant has been classified as Pathogenic.

Literature cited by the submitters: PubMed 16602101 (cited by Labcorp Genetics (formerly Invitae), Labcorp).

NM_002225.5(IVD):c.585G>A (p.Trp195Ter)

Gene: IVD (isovaleryl-CoA dehydrogenase; plus strand). Cytogenetic location: 15q15.1.
Variant type: single nucleotide variant.
Coding change: c.585G>A on transcript NM_002225.5 (MANE Select); coding-DNA position 585, G replaced by A.
Protein change: p.Trp195Ter; replaces tryptophan 195 with a stop codon.
Molecular consequence: nonsense. On other transcripts: non-coding transcript variant (1).
Genome position (GRCh38, 1-based): chr15:40,411,589, G>A. VCF-style: chr15-40411589-G-A. GRCh37 (hg19) VCF-style: chr15-40703788-G-A.
Other names: c.594G>A (NM_002225.3); c.495G>A, p.Trp165Ter (NM_001159508.3); c.537G>A, p.Trp179Ter (NM_001354597.3); c.585G>A, p.Trp195Ter (NM_001354598.3, NM_001354601.3); c.672G>A, p.Trp224Ter (NM_001354599.3, NM_001354600.3); short protein forms W224*, W165*, W179*, W195*.
Identifiers: ClinVar variation 2705338 (VCV002705338.4), dbSNP rs2542696391, ClinGen allele CA391717562.